The following is an entry in ClinVar:

ClinVar aggregate classification (germline): Uncertain significance (1 of 4 stars; one submission).

Allele frequency attached by ClinVar (database versions not stated): TOPMed below 0.00001.
gnomAD v4.1: 3 of 1,608,136 alleles (0.00019%); no homozygotes.

Submission:

Labcorp Genetics (formerly Invitae), Labcorp
Classification: Uncertain significance. Last evaluated: 2022-06-03. Review status: criteria provided, single submitter. Criteria: Invitae Variant Classification Sherloc (09022015). Collection method: clinical testing. Allele origin: germline.
Comment: This sequence change replaces serine, which is neutral and polar, with arginine, which is basic and polar, at codon 209 of the LMX1B protein (p.Ser209Arg). This variant is not present in population databases (gnomAD no frequency). This variant has not been reported in the literature in individuals affected with LMX1B-related conditions. Algorithms developed to predict the effect of missense changes on protein structure and function are either unavailable or do not agree on the potential impact of this missense change (SIFT: "Deleterious"; PolyPhen-2: "Possibly Damaging"; Align-GVGD: "Class C0"). In summary, the available evidence is currently insufficient to determine the role of this variant in disease. Therefore, it has been classified as a Variant of Uncertain Significance.

NM_001174147.2(LMX1B):c.627C>G (p.Ser209Arg)

Gene: LMX1B (LIM homeobox transcription factor 1 beta; plus strand). Cytogenetic location: 9q33.3.
Variant type: single nucleotide variant.
Coding change: c.627C>G on transcript NM_001174147.2 (MANE Select); coding-DNA position 627, C replaced by G.
Protein change: p.Ser209Arg; replaces serine 209 with arginine.
Molecular consequence: missense variant.
Genome position (GRCh38, 1-based): chr9:126,693,209, C>G. VCF-style: chr9-126693209-C-G. GRCh37 (hg19) VCF-style: chr9-129455488-C-G.
Other names: c.627C>G, p.Ser209Arg (NM_001174146.2, NM_002316.4); short protein forms S209R.
Identifiers: ClinVar variation 1990057 (VCV001990057.4), dbSNP rs780090833, ClinGen allele CA374913286.